The following is an entry in ClinVar:

NM_020778.5(ALPK3):c.3896del (p.Phe1299fs)

Gene: ALPK3 (alpha kinase 3; plus strand). Cytogenetic location: 15q25.3.
Variant type: Deletion.
Coding change: c.3896del on transcript NM_020778.5 (MANE Select); coding-DNA position 3896, one base deleted (T; older notation c.3896delT).
Protein change: p.Phe1299fs; shifts the reading frame from phenylalanine 1299.
Molecular consequence: frameshift variant.
Genome position (GRCh38, 1-based): chr15:84,859,321, T deleted; the last of 5 consecutive T bases (chr15:84,859,317-84,859,321); deleting any one gives the same sequence. VCF-style (leftmost placement, unchanged base first): chr15-84859316-GT-G. GRCh37 (hg19) VCF-style: chr15-85402547-GT-G.
Other names: short protein forms F1299fs.
Identifiers: ClinVar variation 3725085 (VCV003725085.2).

ClinVar aggregate classification (germline): Pathogenic (1 of 4 stars; one submission).

Submission:

Labcorp Genetics (formerly Invitae), Labcorp
Classification: Pathogenic. Last evaluated: 2025-07-21. Review status: criteria provided, single submitter. Criteria: Invitae Variant Classification Sherloc (09022015). Collection method: clinical testing. Allele origin: germline.
Comment: This sequence change creates a premature translational stop signal (p.Phe1501Serfs*9) in the ALPK3 gene. It is expected to result in an absent or disrupted protein product. Loss-of-function variants in ALPK3 are known to be pathogenic (PMID: 21441111, 26846950, 27106955, 34263907). This variant is not present in population databases (gnomAD no frequency). This variant has not been reported in the literature in individuals affected with ALPK3-related conditions. ClinVar contains an entry for this variant (Variation ID: 3725085). For these reasons, this variant has been classified as Pathogenic.

Literature cited by the submitters: PubMed 21441111; PubMed 26846950; PubMed 27106955; PubMed 34263907.